The following is an entry in ClinVar:

NM_000152.5(GAA):c.676C>G (p.Leu226Val)

Gene: GAA (alpha glucosidase; plus strand). Cytogenetic location: 17q25.3.
Variant type: single nucleotide variant.
Coding change: c.676C>G on transcript NM_000152.5 (MANE Select); coding-DNA position 676, C replaced by G.
Protein change: p.Leu226Val; replaces leucine 226 with valine.
Molecular consequence: missense variant.
Genome position (GRCh38, 1-based): chr17:80,105,878, C>G. VCF-style: chr17-80105878-C-G. GRCh37 (hg19) VCF-style: chr17-78079677-C-G.
Other names: NM_000152.5(GAA):c.676C>G; c.676C>G, p.Leu226Val (NM_001079803.3, NM_001079804.3); short protein forms L226V.
Identifiers: ClinVar variation 188476 (VCV000188476.48), dbSNP rs113085339, ClinGen allele CA198772.

ClinVar aggregate classification (germline): Likely benign. Review status: reviewed by expert panel (3 of 4 stars). 15 submissions from 15 submitters: Likely benign (1). 14 of the submissions do not count toward it. Last evaluated 2024-05-07.

Conditions:
GAA-related disorder. Also called: GAA-related condition.
Cardiovascular phenotype. Identifiers: MedGen CN230736.
Ventricular fibrillation. Identifiers: MedGen C0042510, MONDO:0000190, HP:0001663.
Glycogen storage disease, type II (IOPD). Also called: CARDIOMEGALIA GLYCOGENICA DIFFUSA; GLYCOGENOSIS, GENERALIZED, CARDIAC FORM; GSD II; Glucosidase acid-1,4-alpha deficiency; Pompe Disease; POMPE DISEASE, INFANTILE-ONSET. Identifiers: Orphanet 365, MedGen C0017921, MONDO:0009290, OMIM 232300.

Allele frequency attached by ClinVar (database versions not stated): gnomAD exomes 0.00026 and 0.00059; ExAC 0.00070; gnomAD 0.00193 and 0.00194; TOPMed 0.00198; ESP Exome Variant Server 0.00231; 1000 Genomes Project 0.00240; 1000 Genomes Project 30x 0.00281.
gnomAD v4.1: 692 of 1,598,310 alleles (0.043%); highest among the groups gnomAD compares: African/African-American, 0.68%; 6 homozygotes.

Submissions (18):

ClinGen Lysosomal Storage Disorder Variant Curation Expert Panel
Classification: Likely benign for Glycogen storage disease, type II. Last evaluated: 2024-05-07. Review status: reviewed by expert panel. Criteria: clingen_lsd_acmg_specifications_v2-1. Collection method: curation. Allele origin: germline. Inheritance: Autosomal recessive inheritance.
Comment: The NM_000152.5:c.676C>G variant in GAA is a missense variant predicted to cause substitution of leucine by valine at amino acid 226 (p.Leu226Val). The highest population minor allele frequency of this variant in gnomAD v2.1.1. is 0.006298 (156/24770 alleles) in the African/African American population which is higher than the ClinGen Lysosomal Diseases VCEP’s threshold for BS1 (>0.005), and therefore meets this criterion (BS1). The computational predictor REVEL gives a score of 0.159 which is below the threshold of 0.5, evidence that does not predict a damaging effect on GAA function (BP4). There are ten ClinVar entries for this variant (Variation ID:188476; 2 star review status) with eight submitters classifying the variant as likely benign and two as benign. In summary, this variant meets the criteria to be classified as likely benign for Pompe disease. GAA-specific ACMG/AMP criteria met, based on the specifications of the ClinGen Lysosomal Diseases VCEP (Specifications Version 2.0): BS1, BP4. (Classification approved by the ClinGen Lysosomal Diseases VCEP on May 7, 2024)

CeGaT Center for Human Genetics Tuebingen
Classification: Likely benign. Last evaluated: 2026-07-01. Review status: criteria provided, single submitter. Criteria: CeGaT Center For Human Genetics Tuebingen Variant Classification Criteria Version 2. Collection method: clinical testing. Allele origin: germline. Affected: yes. Observed: 3 variant alleles. Not counted in ClinVar's aggregate classification.
Comment: GAA: BP4

Genomenon, Inc
Classification: Likely benign for Glycogen storage disease, type II. Last evaluated: 2026-07-01. Review status: criteria provided, single submitter. Criteria: Genomenon Sequence Variant Interpretation Standards - Updated. Collection method: curation. Allele origin: germline. Affected: no. Not counted in ClinVar's aggregate classification.
Comment: GAA p.Leu226Val (c.676C>G) is a missense variant that changes the amino acid at codon 226 from Leucine to Valine. This variant has been reported in the published literature (PMID:29149851). In silico models predict that this variant is not damaging. This variant’s allele frequency in gnomAD is greater than expected for this disorder. In conclusion, we classify GAA p.Leu226Val (c.676C>G) as a likely benign variant.

Labcorp Genetics (formerly Invitae), Labcorp
Classification: Likely benign for Glycogen storage disease, type II. Last evaluated: 2026-02-03. Review status: criteria provided, single submitter. Criteria: Invitae Variant Classification Sherloc (09022015). Collection method: clinical testing. Allele origin: germline. Not counted in ClinVar's aggregate classification.

Mayo Clinic Laboratories, Mayo Clinic
Classification: Likely benign. Last evaluated: 2025-02-13. Review status: criteria provided, single submitter. Criteria: ACMG Guidelines, 2015. Collection method: clinical testing. Allele origin: germline. Observed: 5 variant alleles. Not counted in ClinVar's aggregate classification.
Comment: BS1, BP4

Blueprint Genetics
Classification: Likely benign. Last evaluated: 2024-10-04. Review status: criteria provided, single submitter. Criteria: ACMG Guidelines, 2015. Collection method: clinical testing. Allele origin: germline. Not counted in ClinVar's aggregate classification.

ARUP Laboratories, Molecular Genetics and Genomics, ARUP Laboratories
Classification: Likely benign for Glycogen storage disease, type II. Last evaluated: 2024-06-21. Review status: criteria provided, single submitter. Criteria: ARUP Molecular Germline Variant Investigation Process 2024. Collection method: clinical testing. Allele origin: germline. Not counted in ClinVar's aggregate classification.

Women's Health and Genetics/Laboratory Corporation of America, LabCorp
Classification: Likely benign. Last evaluated: 2023-01-05. Review status: criteria provided, single submitter. Criteria: LabCorp Variant Classification Summary - May 2015. Collection method: clinical testing. Allele origin: germline. Not counted in ClinVar's aggregate classification.
Comment: Variant summary: GAA c.676C>G (p.Leu226Val) results in a conservative amino acid change located in the Galactose mutarotase, N-terminal barrel domain (IPR031727) of the encoded protein sequence. Five of five in-silico tools predict a benign effect of the variant on protein function. The variant allele was found at a frequency of 0.00059 in 242408 control chromosomes (1 homozygote), predominantly at a frequency of 0.0067 within the African or African-American subpopulation in the gnomAD database. The observed variant frequency within African or African-American control individuals in the gnomAD database is approximately 2 fold of the estimated maximal expected allele frequency for a pathogenic variant in GAA causing Glycogen Storage Disease, Type 2 (Pompe Disease) phenotype (0.0042), strongly suggesting that the variant is a benign polymorphism found primarily in populations of African or African-American origin. c.676C>G has been reported in the literature in an individual affected limb-girdle muscular weakness with a non-informative genotype (Johnson_2017). The report does not provide unequivocal conclusions about association of the variant with Glycogen Storage Disease, Type 2 (Pompe Disease). To our knowledge, no experimental evidence demonstrating an impact on protein function has been reported. Seven clinical diagnostic laboratories have submitted clinical-significance assessments for this variant to ClinVar after 2014 and all classified the variant as benign/likely benign. Based on the evidence outlined above, the variant was classified as likely benign.

Ambry Genetics
Classification: Likely benign for Cardiovascular phenotype. Last evaluated: 2022-11-10. Review status: criteria provided, single submitter. Criteria: Ambry Variant Classification Scheme 2023. Collection method: clinical testing. Allele origin: germline. Not counted in ClinVar's aggregate classification.

Broad Center for Mendelian Genomics, Broad Institute of MIT and Harvard
Classification: Likely benign for Glycogen storage disease, type II. Last evaluated: 2020-01-22. Review status: criteria provided, single submitter. Criteria: ACMG Guidelines, 2015. Collection method: curation. Allele origin: germline. Inheritance: Autosomal recessive inheritance. Not counted in ClinVar's aggregate classification.
Comment: This variant has been identified in 0.6298% (156/24770) of African chromosomes, 0.0622% (22/35358) of Latino chromosomes, and 0.0126% (16/127350) of European (non-Finnish) chromosomes, including 1 homozygote, by the Genome Aggregation Database (gnomAD; dbSNP rs113085339). This variant has been seen in the general population at a greater frequency than expected for Glycogen Storage Disease II and is consistent with a benign role. Computational prediction tools and conservation analyses suggest that this variant may not impact the protein, though this information is not predictive enough to rule out pathogenicity. In summary, although additional studies are required to fully establish its clinical significance, this variant is likely benign. ACMG/AMP Criteria applied: BS1, BP4 (Richards 2015).

Center for Advanced Laboratory Medicine, UC San Diego Health, University of California San Diego
Classification: Likely benign for Ventricular fibrillation. Last evaluated: 2019-05-20. Review status: criteria provided, single submitter. Criteria: ACMG Guidelines, 2015. Collection method: clinical testing. Allele origin: germline. Affected: yes. Observed: 1 variant allele. Not counted in ClinVar's aggregate classification.

GeneDx
Classification: Benign. Last evaluated: 2019-01-04. Review status: criteria provided, single submitter. Criteria: GeneDx Variant Classification Process June 2021. Collection method: clinical testing. Allele origin: germline. Affected: yes. Not counted in ClinVar's aggregate classification.
Comment: This variant is associated with the following publications: (PMID: 29149851)

Eurofins Ntd Llc (ga)
Classification: Likely benign. Last evaluated: 2015-09-10. Review status: criteria provided, single submitter. Criteria: EGL Classification Definitions 2015. Collection method: clinical testing. Allele origin: germline. Observed: 2 variant alleles, 2 heterozygotes. Not counted in ClinVar's aggregate classification.

Natera, Inc.
Classification: Benign for Glycogen storage disease type II. Last evaluated: 2019-12-13. Review status: no assertion criteria provided. Collection method: clinical testing. Allele origin: germline. Not counted in ClinVar's aggregate classification.

PreventionGenetics, part of Exact Sciences
Classification: Likely benign for GAA-related condition. Last evaluated: 2019-06-27. Review status: no assertion criteria provided. Collection method: clinical testing. Allele origin: germline. Not counted in ClinVar's aggregate classification.
Comment: This variant is classified as likely benign based on ACMG/AMP sequence variant interpretation guidelines (Richards et al. 2015 PMID: 25741868, with internal and published modifications).

Dr. Peter K. Rogan Lab, Western University
No classification provided (evidence only). Condition: Colon adenocarcinoma. Review status: no classification provided. Collection method: in vitro. Allele origin: not applicable. Functional consequence: retained intron. Not counted in ClinVar's aggregate classification.

Dr. Peter K. Rogan Lab, Western University
No classification provided (evidence only). Condition: Ovarian serous cystadenocarcinoma. Review status: no classification provided. Collection method: in vitro. Allele origin: not applicable. Functional consequence: retained intron. Not counted in ClinVar's aggregate classification.

Dr. Peter K. Rogan Lab, Western University
No classification provided (evidence only). Condition: Uterine carcinosarcoma. Review status: no classification provided. Collection method: in vitro. Allele origin: not applicable. Functional consequence: retained intron. Not counted in ClinVar's aggregate classification.

Literature cited by the submitters: PubMed 29149851 (cited by 4 submitters).